The following is an entry in ClinVar:

NM_003072.5(SMARCA4):c.2637T>A (p.Ile879=)

Gene: SMARCA4 (SWI/SNF related BAF chromatin remodeling complex subunit ATPase 4; plus strand). Cytogenetic location: 19p13.2.
Variant type: single nucleotide variant.
Coding change: c.2637T>A on transcript NM_003072.5 (MANE Select); coding-DNA position 2637, T replaced by A.
Protein change: p.Ile879=; no amino-acid change (isoleucine 879 retained).
Molecular consequence: synonymous variant. On other transcripts: non-coding transcript variant (1).
Genome position (GRCh38, 1-based): chr19:11,021,745, T>A. VCF-style: chr19-11021745-T-A. GRCh37 (hg19) VCF-style: chr19-11132421-T-A.
Other names: c.2637T>A, p.Ile879= (NM_001128844.3, NM_001128845.2, NM_001128846.2 and 6 more transcripts).
Identifiers: ClinVar variation 5042117 (VCV005042117.1).

ClinVar aggregate classification (germline): Benign (1 of 4 stars; one submission).

Conditions:
Rhabdoid tumor predisposition syndrome 2 (RTPS2). Identifiers: Orphanet 231108, Orphanet 69077, MedGen C2750074, MONDO:0013224, OMIM 613325.

Submission:

Myriad Genetics, Inc.
Classification: Benign for Rhabdoid tumor predisposition syndrome 2. Last evaluated: 2026-07-13. Review status: criteria provided, single submitter. Criteria: Myriad Autosomal Dominant, Autosomal Recessive and X-Linked Classification Criteria (2023). Collection method: clinical testing. Allele origin: unknown.
Comment: This variant is considered benign. This variant is a silent/synonymous amino acid change and it is not expected to impact splicing.